The following is an entry in ClinVar:

ClinVar aggregate classification (germline): Uncertain significance (1 of 4 stars; one submission).

Conditions:
Nemaline myopathy 2 (NEM2). Also called: Nemaline myopathy 2, autosomal recessive. Identifiers: MedGen C1850569, MONDO:0009725, OMIM 256030.

Submission:

Labcorp Genetics (formerly Invitae), Labcorp
Classification: Uncertain significance for Nemaline myopathy 2. Last evaluated: 2017-08-10. Review status: criteria provided, single submitter. Criteria: Invitae Variant Classification Sherloc (09022015). Collection method: clinical testing. Allele origin: germline.
Comment: This sequence change replaces glutamic acid with valine at codon 651 of the NEB protein (p.Glu651Val). The glutamic acid residue is moderately conserved and there is a moderate physicochemical difference between glutamic acid and valine. This variant is not present in population databases (ExAC no frequency). This variant has not been reported in the literature in individuals with NEB-related disease. Algorithms developed to predict the effect of missense changes on protein structure and function do not agree on the potential impact of this missense change (SIFT: "Deleterious"; PolyPhen-2: "Unavailable"; Align-GVGD: "Class C0"). In summary, the available evidence is currently insufficient to determine the role of this variant in disease. Therefore, it has been classified as a Variant of Uncertain Significance.

NM_001164508.2(NEB):c.1952A>T (p.Glu651Val)

Gene: NEB (nebulin; minus strand). Cytogenetic location: 2q23.3.
Variant type: single nucleotide variant.
Coding change: c.1952A>T on transcript NM_001164508.2 (MANE Select); coding-DNA position 1952, A replaced by T.
Protein change: p.Glu651Val; replaces glutamic acid 651 with valine.
Molecular consequence: missense variant.
Genome position (GRCh38, 1-based): chr2:151,692,307, T>A on the plus strand (A>T on the coding strand, the complement: NEB is on the minus strand). VCF-style: chr2-151692307-T-A. GRCh37 (hg19) VCF-style: chr2-152548821-T-A.
Other names: c.1952A>T, p.Glu651Val (NM_001164507.2, NM_001271208.2, NM_004543.5); short protein forms E651V.
Identifiers: ClinVar variation 533985 (VCV000533985.1), dbSNP rs1553592436, ClinGen allele CA348824137.
Genomic context (GRCh38, chr2:151,692,307, plus strand): 5'-GTGGCTTTTCGAACCTCACTGAAGTTCTTCAGCTGAGTATCAAGTTGATATTTTGGGGTC[T>A]CACAGTAATTCATACTCTTTGCCTTTGTCTTCTCATAGTTTTCCTTGTATAATCTCTGTT-3'
Protein context (NP_001157980.2, residues 641-661): KTKAKSMNYC[Glu651Val]TPKYQLDTQL